The following is an entry in ClinVar:

ClinVar aggregate classification (germline): Conflicting classifications of pathogenicity. Review status: criteria provided, conflicting classifications (1 of 4 stars). 16 submissions from 16 submitters: Uncertain significance (5); Benign (1); Likely benign (8). 2 of the submissions do not count toward it. Last evaluated 2026-01-31.

Conditions:
FKRP-related disorder. Also called: FKRP-related condition.
Myopathy caused by variation in FKRP. Identifiers: MedGen CN305637, MONDO:0700066.
Walker-Warburg congenital muscular dystrophy. Also called: Muscular dystrophy-dystroglycanopathy, type A; Walker-Warburg syndrome. Identifiers: Orphanet 899, MedGen C0265221, MONDO:0000171.
Cardiovascular phenotype. Identifiers: MedGen CN230736.
Autosomal recessive limb-girdle muscular dystrophy type 2I. Also called: MUSCULAR DYSTROPHY-DYSTROGLYCANOPATHY, LIMB-GIRDLE, FRKP-RELATED; MUSCULAR DYSTROPHY-DYSTROGLYCANOPATHY (LIMB-GIRDLE), TYPE C, 5; MUSCULAR DYSTROPHY, LIMB-GIRDLE, TYPE 2I. Identifiers: Orphanet 34515, MedGen C1846672, MONDO:0011787, OMIM 607155.

Allele frequency attached by ClinVar (database versions not stated): gnomAD 0.00150; 1000 Genomes Project 30x 0.00156; 1000 Genomes Project 0.00200; TOPMed 0.00204; ESP Exome Variant Server 0.00246.
gnomAD v4.1: 546 of 1,612,960 alleles (0.034%); highest among the groups gnomAD compares: African/African-American, 0.68%; 2 homozygotes.

Submissions (16):

Labcorp Genetics (formerly Invitae), Labcorp
Classification: Likely benign for Walker-Warburg congenital muscular dystrophy. Last evaluated: 2026-01-31. Review status: criteria provided, single submitter. Criteria: Invitae Variant Classification Sherloc (09022015). Collection method: clinical testing. Allele origin: germline.

Mayo Clinic Laboratories, Mayo Clinic
Classification: Likely benign. Last evaluated: 2025-07-30. Review status: criteria provided, single submitter. Criteria: ACMG Guidelines, 2015. Collection method: clinical testing. Allele origin: germline. Observed: 6 variant alleles.
Comment: BS1

Myriad Genetics, Inc.
Classification: Uncertain significance for Myopathy caused by variation in FKRP. Last evaluated: 2025-07-28. Review status: criteria provided, single submitter. Criteria: Myriad Autosomal Dominant, Autosomal Recessive and X-Linked Classification Criteria (2023). Collection method: clinical testing. Allele origin: unknown.
Comment: NM_024301.4(FKRP):c.1177G>A(V393I) is a missense variant classified as a variant of uncertain significance in the context of FKRP-related disorders. V393I has been observed in cases with relevant disease (PMID: 37853563, 39678382). Relevant functional assessments of this variant are not available in the literature. V393I has been observed in referenced population frequency databases. In summary, there is insufficient evidence to classify NM_024301.4(FKRP):c.1177G>A(V393I) as pathogenic or benign. Please note: this variant was assessed in the context of healthy population screening.

Women's Health and Genetics/Laboratory Corporation of America, LabCorp
Classification: Likely benign. Last evaluated: 2025-07-01. Review status: criteria provided, single submitter. Criteria: LabCorp Variant Classification Summary - May 2015. Collection method: clinical testing. Allele origin: germline.
Comment: Variant summary: FKRP c.1177G>A (p.Val393Ile) results in a conservative amino acid change in the encoded protein sequence. Algorithms developed to predict the effect of missense changes on protein structure and function are either unavailable or do not agree on the potential impact of this missense change. The variant allele was found at a frequency of 0.00049 in 246164 control chromosomes, predominantly at a frequency of 0.0073 within the African or African-American subpopulation in the gnomAD database. The observed variant frequency within African or African-American control individuals in the gnomAD database is approximately 3-fold of the estimated maximal expected allele frequency for a pathogenic variant in FKRP causing Limb-Girdle Muscular Dystrophy, Autosomal Recessive phenotype (0.0024), providing supporting evidence for a benign role. c.1177G>A has been observed in an individual affected with Limb-Girdle Muscular Dystrophy without evidence for causality and with the variant classified as likely benign or a polymorphism in literature (e.g. Fu_2016, Sullivan_2023). These report(s) do not provide unequivocal conclusions about association of the variant with Limb-Girdle Muscular Dystrophy, Autosomal Recessive. To our knowledge, no experimental evidence demonstrating an impact on protein function has been reported. The following publications have been ascertained in the context of this evaluation (PMID: 27439679, 37853563). ClinVar contains an entry for this variant (Variation ID: 137380). Based on the evidence outlined above, the variant was classified as likely benign.

Molecular Diagnostic Laboratory for Inherited Cardiovascular Disease, Montreal Heart Institute
Classification: Likely benign. Last evaluated: 2025-04-09. Review status: criteria provided, single submitter. Criteria: ACMG Guidelines, 2015. Collection method: clinical testing. Allele origin: germline. Affected: no.

Blueprint Genetics
Classification: Likely benign. Last evaluated: 2024-11-13. Review status: criteria provided, single submitter. Criteria: ACMG Guidelines, 2015. Collection method: clinical testing. Allele origin: germline.

ARUP Laboratories, Molecular Genetics and Genomics, ARUP Laboratories
Classification: Uncertain significance. Last evaluated: 2023-10-20. Review status: criteria provided, single submitter. Criteria: ARUP Molecular Germline Variant Investigation Process 2024. Collection method: clinical testing. Allele origin: germline.
Comment: The FKRP c.1177G>A; p.Val393Ile variant (rs140679502), to our knowledge, is not reported in the medical literature but is reported in ClinVar (Variation ID: 137380). This variant is found in the African population with an allele frequency of 0.7% (162/24462 alleles, including 1 homozygote) in the Genome Aggregation Database. The valine at codon 393 is highly conserved, and computational analyses are uncertain whether this variant is neutral or deleterious (REVEL: 0.66). Due to limited information, the clinical significance of the p.Val393Ile variant is uncertain at this time. Gene specific statement: Pathogenic variants in FKRP are inherited in an autosomal recessive manner and are associated with muscular dystrophy-dystroglycanopathy types A5, B5 and C5 (MIM: 613153, 606612, and 607155). Symptomatic heterozygous carriers have also been reported at least once in the literature and present with a milder phenotype (Schottlaender et al. 2015).

Duke University Health System Sequencing Clinic, Duke University Health System
Classification: Likely benign for Autosomal recessive limb-girdle muscular dystrophy type 2I. Last evaluated: 2023-04-20. Review status: criteria provided, single submitter. Criteria: ACMG Guidelines, 2015. Collection method: research. Allele origin: maternal. Affected: yes.

Athena Diagnostics
Classification: Uncertain significance. Last evaluated: 2020-02-17. Review status: criteria provided, single submitter. Criteria: Athena Diagnostics Criteria. Collection method: clinical testing. Allele origin: unknown.

CeGaT Center for Human Genetics Tuebingen
Classification: Uncertain significance. Last evaluated: 2019-12-01. Review status: criteria provided, single submitter. Criteria: CeGaT Center For Human Genetics Tuebingen Variant Classification Criteria Version 2. Collection method: clinical testing. Allele origin: germline. Affected: yes. Observed: 1 variant allele.

Ambry Genetics
Classification: Benign for Cardiovascular phenotype. Last evaluated: 2019-01-29. Review status: criteria provided, single submitter. Criteria: Ambry Variant Classification Scheme 2023. Collection method: clinical testing. Allele origin: germline.

GeneDx
Classification: Likely benign. Last evaluated: 2018-02-27. Review status: criteria provided, single submitter. Criteria: GeneDx Variant Classification (06012015). Collection method: clinical testing. Allele origin: germline. Affected: yes.
Comment: This variant is considered likely benign or benign based on one or more of the following criteria: it is a conservative change, it occurs at a poorly conserved position in the protein, it is predicted to be benign by multiple in silico algorithms, and/or has population frequency not consistent with disease.

Eurofins Ntd Llc (ga)
Classification: Likely benign. Last evaluated: 2015-10-02. Review status: criteria provided, single submitter. Criteria: EGL Classification Definitions 2015. Collection method: clinical testing. Allele origin: germline. Observed: 1 variant allele, 1 heterozygote.

Genetic Services Laboratory, University of Chicago
Classification: Uncertain significance. Last evaluated: 2014-07-08. Review status: criteria provided, single submitter. Criteria: ACMG Guidelines, 2015. Collection method: clinical testing. Allele origin: germline.

Natera, Inc.
Classification: Benign for Limb-girdle muscular dystrophy type 2I. Last evaluated: 2020-01-10. Review status: no assertion criteria provided. Collection method: clinical testing. Allele origin: germline. Not counted in ClinVar's aggregate classification.

PreventionGenetics, part of Exact Sciences
Classification: Likely benign for FKRP-related condition. Last evaluated: 2019-06-11. Review status: no assertion criteria provided. Collection method: clinical testing. Allele origin: germline. Not counted in ClinVar's aggregate classification.
Comment: This variant is classified as likely benign based on ACMG/AMP sequence variant interpretation guidelines (Richards et al. 2015 PMID: 25741868, with internal and published modifications).

Literature cited by the submitters: PubMed 37853563 (cited by Myriad Genetics, Inc. and Women's Health and Genetics/Laboratory Corporation of America, LabCorp); PubMed 39678382 (cited by Myriad Genetics, Inc.); PubMed 27439679 (cited by Women's Health and Genetics/Laboratory Corporation of America, LabCorp).

NM_024301.5(FKRP):c.1177G>A (p.Val393Ile)

Gene: FKRP (fukutin related protein; plus strand). Cytogenetic location: 19q13.32.
Variant type: single nucleotide variant.
Coding change: c.1177G>A on transcript NM_024301.5 (MANE Select); coding-DNA position 1177, G replaced by A.
Protein change: p.Val393Ile; replaces valine 393 with isoleucine.
Molecular consequence: missense variant.
Genome position (GRCh38, 1-based): chr19:46,756,627, G>A. VCF-style: chr19-46756627-G-A. GRCh37 (hg19) VCF-style: chr19-47259884-G-A.
Other names: p.V393I:GTA>ATA; c.1177G>A, p.Val393Ile (NM_001039885.3); short protein forms V393I.
Identifiers: ClinVar variation 137380 (VCV000137380.76), dbSNP rs140679502, ClinGen allele CA205982.